The following is an entry in ClinVar:

NM_005458.8(GABBR2):c.2313dup (p.Lys772Ter)

Gene: GABBR2 (gamma-aminobutyric acid type B receptor subunit 2; minus strand). Cytogenetic location: 9q22.33.
Variant type: Duplication.
Coding change: c.2313dup on transcript NM_005458.8 (MANE Select); coding-DNA position 2313, one base duplicated (T; older notation c.2313dupT).
Protein change: p.Lys772Ter; replaces lysine 772 with a stop codon.
Molecular consequence: nonsense.
Genome position (GRCh38, 1-based): chr9:98,303,340, A duplicated on the plus strand (T on the coding strand, the reverse complement: GABBR2 is on the minus strand). VCF-style (leftmost placement, unchanged base first): chr9-98303339-T-TA. GRCh37 (hg19) VCF-style: chr9-101065621-T-TA.
Other names: short protein forms K772*.
Identifiers: ClinVar variation 2705886 (VCV002705886.3), dbSNP rs2491199412, ClinGen allele CA2697557926.

ClinVar aggregate classification (germline): Uncertain significance (1 of 4 stars; one submission).

Conditions:
Epileptic encephalopathy. Identifiers: MedGen C0543888, HP:0200134.

Submission:

Labcorp Genetics (formerly Invitae), Labcorp
Classification: Uncertain significance for Epileptic encephalopathy. Last evaluated: 2023-12-27. Review status: criteria provided, single submitter. Criteria: Invitae Variant Classification Sherloc (09022015). Collection method: clinical testing. Allele origin: germline.
Comment: This sequence change creates a premature translational stop signal (p.Lys772*) in the GABBR2 gene. It is expected to result in an absent or disrupted protein product. However, the current clinical and genetic evidence is not sufficient to establish whether loss-of-function variants in GABBR2 cause disease. This variant is not present in population databases (gnomAD no frequency). This variant has not been reported in the literature in individuals affected with GABBR2-related conditions. In summary, the available evidence is currently insufficient to determine the role of this variant in disease. Therefore, it has been classified as a Variant of Uncertain Significance.